The following is an entry in ClinVar:

NM_025132.4(WDR19):c.2018A>G (p.Asn673Ser)

Gene: WDR19 (WD repeat domain 19; plus strand). Cytogenetic location: 4p14.
Variant type: single nucleotide variant.
Coding change: c.2018A>G on transcript NM_025132.4 (MANE Select); coding-DNA position 2018, A replaced by G.
Protein change: p.Asn673Ser; replaces asparagine 673 with serine.
Molecular consequence: missense variant.
Genome position (GRCh38, 1-based): chr4:39,231,832, A>G. VCF-style: chr4-39231832-A-G. GRCh37 (hg19) VCF-style: chr4-39233452-A-G.
Other names: c.1538A>G, p.Asn513Ser (NM_001317924.2); short protein forms N673S, N513S.
Identifiers: ClinVar variation 4791301 (VCV004791301.2).
Genomic context (GRCh38, chr4:39,231,832, plus strand): 5'-TTAAGCTTATGTTCTTACATCCCAGGTTTTCTGATGCTTGGGAAATGTGCAGGATTCTGA[A>G]TGATGAGGCTGCCTGGAATGAGTTGGCCAGAGCTTGTCTACATCACATGGAAGTGGAGTT-3'
Protein context (NP_079408.3, residues 663-683): SDAWEMCRIL[Asn673Ser]DEAAWNELAR

ClinVar aggregate classification (germline): Uncertain significance. Review status: criteria provided, multiple submitters, no conflicts (2 of 4 stars). 2 submissions from 2 submitters: Uncertain significance (2). Last evaluated 2025-04-25.

Conditions:
Asphyxiating thoracic dystrophy 5 (SRTD5). Also called: SHORT-RIB THORACIC DYSPLASIA 5 WITH OR WITHOUT POLYDACTYLY; SHORT-RIB THORACIC DYSPLASIA 5 WITHOUT POLYDACTYLY. Identifiers: Orphanet 474, MedGen C3280598, MONDO:0013717, OMIM 614376.
Senior-Loken syndrome 8 (SLSN8). Identifiers: Orphanet 3156, MedGen C4225376, MONDO:0014579, OMIM 616307.

gnomAD v4.1: 14 of 1,600,324 alleles (0.00087%); highest among the groups gnomAD compares: Middle Eastern, 0.017%; no homozygotes.

Submissions (2):

Labcorp Genetics (formerly Invitae), Labcorp
Classification: Uncertain significance for Senior-Loken syndrome 8; Asphyxiating thoracic dystrophy 5. Last evaluated: 2025-04-25. Review status: criteria provided, single submitter. Criteria: Invitae Variant Classification Sherloc (09022015). Collection method: clinical testing. Allele origin: germline.
Comment: This sequence change replaces asparagine, which is neutral and polar, with serine, which is neutral and polar, at codon 673 of the WDR19 protein (p.Asn673Ser). This variant is present in population databases (rs781091537, gnomAD 0.02%). This variant has not been reported in the literature in individuals affected with WDR19-related conditions. Invitae Evidence Modeling of protein sequence and biophysical properties (such as structural, functional, and spatial information, amino acid conservation, physicochemical variation, residue mobility, and thermodynamic stability) indicates that this missense variant is not expected to disrupt WDR19 protein function with a negative predictive value of 80%. In summary, the available evidence is currently insufficient to determine the role of this variant in disease. Therefore, it has been classified as a Variant of Uncertain Significance.

Blueprint Genetics
Classification: Uncertain significance. Last evaluated: 2022-12-29. Review status: criteria provided, single submitter. Criteria: ACMG Guidelines, 2015. Collection method: clinical testing. Allele origin: germline.